The following is an entry in ClinVar:

ClinVar aggregate classification (germline): Uncertain significance (1 of 4 stars; one submission).

Conditions:
Ehlers-Danlos syndrome, classic type, 1 (EDSCL1). Also called: EHLERS-DANLOS SYNDROME, GRAVIS TYPE; EHLERS-DANLOS SYNDROME, SEVERE CLASSIC TYPE; Ehlers-Danlos syndrome, type 1; EDS I; Ehlers-Danlos Syndrome, Classic Type, COL5A1-Related. Identifiers: MedGen C0268335, MONDO:0019567, OMIM 130000.

Allele frequency attached by ClinVar (database versions not stated): gnomAD exomes below 0.00001.
gnomAD v4.1: 1 of 1,613,486 alleles (0.000062%); highest among the groups gnomAD compares: Non-Finnish European, 0.000085%; no homozygotes.

Submission:

Labcorp Genetics (formerly Invitae), Labcorp
Classification: Uncertain significance for Ehlers-Danlos syndrome, classic type, 1. Last evaluated: 2022-03-14. Review status: criteria provided, single submitter. Criteria: Invitae Variant Classification Sherloc (09022015). Collection method: clinical testing. Allele origin: germline.
Comment: This sequence change replaces glycine, which is neutral and non-polar, with valine, which is neutral and non-polar, at codon 798 of the COL5A2 protein (p.Gly798Val). This variant is not present in population databases (gnomAD no frequency). This variant has not been reported in the literature in individuals affected with COL5A2-related conditions. Algorithms developed to predict the effect of missense changes on protein structure and function are either unavailable or do not agree on the potential impact of this missense change (SIFT: "Deleterious"; PolyPhen-2: "Not Available"; Align-GVGD: "Class C65"). In summary, the available evidence is currently insufficient to determine the role of this variant in disease. Therefore, it has been classified as a Variant of Uncertain Significance.

NM_000393.5(COL5A2):c.2393G>T (p.Gly798Val)

Gene: COL5A2 (collagen type V alpha 2 chain; minus strand). Cytogenetic location: 2q32.2.
Variant type: single nucleotide variant.
Coding change: c.2393G>T on transcript NM_000393.5 (MANE Select); coding-DNA position 2393, G replaced by T.
Protein change: p.Gly798Val; replaces glycine 798 with valine.
Molecular consequence: missense variant.
Genome position (GRCh38, 1-based): chr2:189,054,211, C>A on the plus strand (G>T on the coding strand, the complement: COL5A2 is on the minus strand). VCF-style: chr2-189054211-C-A. GRCh37 (hg19) VCF-style: chr2-189918937-C-A.
Other names: short protein forms G798V.
Identifiers: ClinVar variation 2112146 (VCV002112146.1), dbSNP rs2469267137, ClinGen allele CA349872736.